The following is an entry in ClinVar:

NM_058195.4(CDKN2A):c.194-3653G>A

Genes: CDKN2A (cyclin dependent kinase inhibitor 2A; minus strand), LOC130001603 (ATAC-STARR-seq lymphoblastoid silent region 19811; plus strand). Cytogenetic location: 9p21.3.
Variant type: single nucleotide variant.
Coding change: c.194-3653G>A on transcript NM_058195.4 (MANE Plus Clinical); 3653 bases into the intron before coding-DNA position 194, G replaced by A.
Molecular consequence: intron variant. On other transcripts: genic upstream transcript variant (1).
Genome position (GRCh38, 1-based): chr9:21,974,861, C>T on the plus strand (G>A on the coding strand, the complement: CDKN2A is on the minus strand). VCF-style: chr9-21974861-C-T. GRCh37 (hg19) VCF-style: chr9-21974860-C-T.
Other names: c.-34G>A (NM_000077.5, NM_000077.6); c.-3-3653G>A (NM_001363763.2).
Identifiers: ClinVar variation 379882 (VCV000379882.15), dbSNP rs1800586, ClinGen allele CA16605829.

ClinVar aggregate classification (germline): Conflicting classifications of pathogenicity. Review status: criteria provided, conflicting classifications (1 of 4 stars). 6 submissions from 6 submitters: Uncertain significance (1); Likely benign (5). Last evaluated 2026-03-31.

Conditions:
CDKN2A-related disorder. Also called: CDKN2A-related condition.
Familial melanoma. Also called: Hereditary melanoma; Hereditary cutaneous melanoma. Identifiers: Orphanet 618, MedGen C1512419, MONDO:0018961.
Hereditary cancer-predisposing syndrome. Also called: Neoplastic Syndromes, Hereditary; Tumor predisposition; Hereditary Cancer Syndrome; Hereditary neoplastic syndrome. Identifiers: Orphanet 140162, MedGen C0027672, MeSH D009386, MONDO:0015356.
Melanoma-pancreatic cancer syndrome. Identifiers: Orphanet 404560, MedGen C1838547, MONDO:0011713, OMIM 606719. Disease mechanism: loss of function.

gnomAD v4.1: 21 of 1,509,518 alleles (0.0014%); highest among the groups gnomAD compares: Non-Finnish European, 0.0018%; no homozygotes.

Submissions (6):

PreventionGenetics, part of Exact Sciences
Classification: Likely benign for CDKN2A-related condition. Last evaluated: 2026-03-31. Review status: criteria provided, single submitter. Criteria: ACMG Guidelines, 2015. Collection method: clinical testing. Allele origin: germline.
Comment: This variant is classified as likely benign based on ACMG/AMP sequence variant interpretation guidelines (Richards et al. 2015 PMID: 25741868, with internal and published modifications).

Labcorp Genetics (formerly Invitae), Labcorp
Classification: Likely benign for Familial melanoma. Last evaluated: 2025-07-16. Review status: criteria provided, single submitter. Criteria: Invitae Variant Classification Sherloc (09022015). Collection method: clinical testing. Allele origin: germline.

Center for Genomic Medicine, Rigshospitalet, Copenhagen University Hospital
Classification: Likely benign. Last evaluated: 2025-03-04. Review status: criteria provided, single submitter. Criteria: ACMG Guidelines, 2015. Collection method: clinical testing. Allele origin: germline.

Color Diagnostics, LLC DBA Color Health
Classification: Uncertain significance for Hereditary cancer-predisposing syndrome. Last evaluated: 2022-03-08. Review status: criteria provided, single submitter. Criteria: ACMG Guidelines, 2015. Collection method: clinical testing. Allele origin: germline.
Comment: The CDKN2A locus encodes two different gene products, p16INK4a and p14ARF. This variant is a single nucleotide substitution located in the 5' untranslated region of the CDKN2A (p16INK4A) gene. To our knowledge, functional studies have not been reported for this variant. This variant has not been reported in individuals affected with hereditary cancer in the literature. This variant has been identified in 1/115386 chromosomes in the general population by the Genome Aggregation Database (gnomAD). The available evidence is insufficient to determine the role of this variant in disease conclusively. Therefore, this variant is classified as a Variant of Uncertain Significance.

Mendelics
Classification: Likely benign for Melanoma-pancreatic cancer syndrome. Last evaluated: 2019-05-28. Review status: criteria provided, single submitter. Criteria: Mendelics Assertion Criteria 2017. Collection method: clinical testing. Allele origin: unknown.

GeneDx
Classification: Likely benign. Last evaluated: 2017-08-25. Review status: criteria provided, single submitter. Criteria: GeneDx Variant Classification (06012015). Collection method: clinical testing. Allele origin: germline. Affected: yes.
Comment: This variant is considered likely benign or benign based on one or more of the following criteria: it is a conservative change, it occurs at a poorly conserved position in the protein, it is predicted to be benign by multiple in silico algorithms, and/or has population frequency not consistent with disease.